The following is an entry in ClinVar:

ClinVar aggregate classification (germline): Likely pathogenic (1 of 4 stars; one submission).

Conditions:
alpha Thalassemia. Also called: Alpha thalassemia spectrum. Identifiers: Orphanet 846, MedGen C0002312, MONDO:0011399, OMIM 604131.

Submission:

Natera, Inc.
Classification: Likely pathogenic for Alpha thalassemia. Last evaluated: 2024-04-17. Review status: criteria provided, single submitter. Criteria: Natera Variant Classification Schema (03/2026). Collection method: clinical testing. Allele origin: germline.
Comment: The c.268_269delCAinsAAGCACCAC variant in HBA1 is a frameshift variant predicted to elongate the protein beyond the termination codon. This variant is expected to result in nonsense mediated decay, truncation, or a dysfunctional protein product. This variant is rare in the general population with a frequency below the threshold expected for the associated phenotype(s). Given the available evidence, this variant is classified as Likely Pathogenic.

NM_000558.5(HBA1):c.268_269delinsAAGCACCAC (p.His90fs)

Genes: HBA1 (hemoglobin subunit alpha 1; plus strand), LOC106804613 (hemoglobin subunit alpha 1 recombination region; plus strand). Cytogenetic location: 16p13.3.
Variant type: Indel.
Coding change: c.268_269delinsAAGCACCAC on transcript NM_000558.5 (MANE Select); coding-DNA positions 268 to 269, CA replaced by AAGCACCAC.
Protein change: p.His90fs; shifts the reading frame from histidine 90.
Molecular consequence: frameshift variant.
Genome position (GRCh38, 1-based): chr16:177,101-177,102, CA replaced by AAGCACCAC. VCF-style: chr16-177101-CA-AAGCACCAC. GRCh37 (hg19) VCF-style: chr16-227100-CA-AAGCACCAC.
Other names: short protein forms H90fs.
Identifiers: ClinVar variation 4814394 (VCV004814394.1).